The following is an entry in ClinVar:

ClinVar aggregate classification (germline): Uncertain significance (1 of 4 stars; one submission).

Conditions:
Cardiomyopathy (CMYO). Also called: Cardiomyopathies. Identifiers: Orphanet 167848, MedGen C0878544, MONDO:0004994, HP:0001638. Inheritance: Various modes of inheritance.

gnomAD v4.1: 3 of 1,613,160 alleles (0.00019%); highest among the groups gnomAD compares: East Asian, 0.0045%; 1 homozygote.

Submission:

Color Diagnostics, LLC DBA Color Health
Classification: Uncertain significance for Cardiomyopathy. Last evaluated: 2020-05-12. Review status: criteria provided, single submitter. Criteria: ACMG Guidelines, 2015. Collection method: clinical testing. Allele origin: germline.
Comment: This missense variant replaces alanine with valine at codon 1490 of the RYR2 protein. Computational prediction suggests that this variant may not impact protein structure and function (internally defined REVEL score threshold <= 0.5, PMID: 27666373). To our knowledge, functional studies have not been reported for this variant. This variant has not been reported in individuals affected with cardiovascular disorders in the literature. This variant has not been identified in the general population by the Genome Aggregation Database (gnomAD). The available evidence is insufficient to determine the role of this variant in disease conclusively. Therefore, this variant is classified as a Variant of Uncertain Significance.

NM_001035.3(RYR2):c.4469C>T (p.Ala1490Val)

Gene: RYR2 (ryanodine receptor 2; plus strand). Cytogenetic location: 1q43.
Variant type: single nucleotide variant.
Coding change: c.4469C>T on transcript NM_001035.3 (MANE Select); coding-DNA position 4469, C replaced by T.
Protein change: p.Ala1490Val; replaces alanine 1490 with valine.
Molecular consequence: missense variant.
Genome position (GRCh38, 1-based): chr1:237,595,530, C>T. VCF-style: chr1-237595530-C-T. GRCh37 (hg19) VCF-style: chr1-237758830-C-T.
Other names: short protein forms A1490V.
Identifiers: ClinVar variation 1171398 (VCV001171398.2), dbSNP rs2148474559, ClinGen allele CA345400212.